The following is an entry in ClinVar:

ClinVar aggregate classification (germline): Uncertain significance (1 of 4 stars; one submission).

Allele frequency attached by ClinVar (database versions not stated): gnomAD exomes below 0.00001; TOPMed below 0.00001; ExAC 0.00001.
gnomAD v4.1: 1 of 1,610,308 alleles (0.000062%); highest among the groups gnomAD compares: South Asian, 0.0011%; no homozygotes.

Submission:

GeneDx
Classification: Uncertain significance. Last evaluated: 2026-02-07. Review status: criteria provided, single submitter. Criteria: GeneDx Variant Classification Process June 2021. Collection method: clinical testing. Allele origin: germline.
Comment: Not observed at significant frequency in large population cohorts (gnomAD); In silico analysis supports that this missense variant has a deleterious effect on protein structure/function; Has not been previously published as pathogenic or benign to our knowledge

NM_000384.3(APOB):c.4640C>T (p.Thr1547Ile)

Gene: APOB (apolipoprotein B; minus strand). Cytogenetic location: 2p24.1.
Variant type: single nucleotide variant.
Coding change: c.4640C>T on transcript NM_000384.3 (MANE Select); coding-DNA position 4640, C replaced by T.
Protein change: p.Thr1547Ile; replaces threonine 1547 with isoleucine.
Molecular consequence: missense variant.
Genome position (GRCh38, 1-based): chr2:21,012,228, G>A on the plus strand (C>T on the coding strand, the complement: APOB is on the minus strand). VCF-style: chr2-21012228-G-A. GRCh37 (hg19) VCF-style: chr2-21235100-G-A.
Other names: short protein forms T1547I.
Identifiers: ClinVar variation 4888029 (VCV004888029.1), dbSNP rs773126678.